The following is an entry in ClinVar:

ClinVar aggregate classification (germline): Benign/Likely benign. Review status: criteria provided, multiple submitters, no conflicts (2 of 4 stars). 6 submissions from 6 submitters: Benign (2); Likely benign (4). Last evaluated 2026-01-13.

Conditions:
Familial melanoma. Also called: Hereditary melanoma; Hereditary cutaneous melanoma. Identifiers: Orphanet 618, MedGen C1512419, MONDO:0018961.
Hereditary cancer-predisposing syndrome. Also called: Neoplastic Syndromes, Hereditary; Hereditary Cancer Syndrome; Tumor predisposition; Hereditary neoplastic syndrome. Identifiers: Orphanet 140162, MedGen C0027672, MeSH D009386, MONDO:0015356.
Melanoma, cutaneous malignant, susceptibility to, 3. Also called: Cutaneous malignant melanoma 3. Identifiers: Orphanet 618, MedGen C1836892, MONDO:0012183, OMIM 609048.

Allele frequency attached by ClinVar (database versions not stated): gnomAD exomes 0.00004 and 0.00002; ESP Exome Variant Server 0.00008; TOPMed 0.00012; gnomAD 0.00013 and 0.00014; 1000 Genomes Project 30x 0.00016; 1000 Genomes Project 0.00020; ExAC 0.00002.

Submissions (6):

Labcorp Genetics (formerly Invitae), Labcorp
Classification: Likely benign for Familial melanoma. Last evaluated: 2026-01-13. Review status: criteria provided, single submitter. Criteria: Invitae Variant Classification Sherloc (09022015). Collection method: clinical testing. Allele origin: germline.

Women's Health and Genetics/Laboratory Corporation of America, LabCorp
Classification: Likely benign. Last evaluated: 2025-09-02. Review status: criteria provided, single submitter. Criteria: LabCorp Variant Classification Summary - May 2015. Collection method: clinical testing. Allele origin: germline.

Myriad Genetics, Inc.
Classification: Benign for Melanoma, cutaneous malignant, susceptibility to, 3. Last evaluated: 2024-09-26. Review status: criteria provided, single submitter. Criteria: Myriad Autosomal Dominant, Autosomal Recessive and X-Linked Classification Criteria (2023). Collection method: clinical testing. Allele origin: unknown.
Comment: This variant is considered benign. This variant is a silent/synonymous amino acid change and it is not expected to impact splicing.

CeGaT Center for Human Genetics Tuebingen
Classification: Likely benign. Last evaluated: 2023-01-01. Review status: criteria provided, single submitter. Criteria: CeGaT Center For Human Genetics Tuebingen Variant Classification Criteria Version 2. Collection method: clinical testing. Allele origin: germline. Affected: yes. Observed: 1 variant allele.
Comment: CDK4: BP4, BP7

Quest Diagnostics Nichols Institute San Juan Capistrano
Classification: Benign. Last evaluated: 2020-03-09. Review status: criteria provided, single submitter. Criteria: Quest Diagnostics criteria. Collection method: clinical testing. Allele origin: unknown.

Ambry Genetics
Classification: Likely benign for Hereditary cancer-predisposing syndrome. Last evaluated: 2016-02-12. Review status: criteria provided, single submitter. Criteria: Ambry Variant Classification Scheme 2023. Collection method: clinical testing. Allele origin: germline.

NM_000075.4(CDK4):c.771G>A (p.Val257=)

Genes: CDK4 (cyclin dependent kinase 4; minus strand), TSPAN31 (tetraspanin 31; plus strand). Cytogenetic location: 12q14.1.
Variant type: single nucleotide variant.
Coding change: c.771G>A on transcript NM_000075.4 (MANE Select); coding-DNA position 771, G replaced by A.
Protein change: p.Val257=; no amino-acid change (valine 257 retained).
Molecular consequence: synonymous variant. On other transcripts: 3 prime UTR variant (3).
Genome position (GRCh38, 1-based): chr12:57,749,230, C>T on the plus strand (G>A on the coding strand, the complement: CDK4 is on the minus strand). VCF-style: chr12-57749230-C-T. GRCh37 (hg19) VCF-style: chr12-58143013-C-T.
Other names: c.*1940C>T (NM_001330168.2, NM_001330169.2, NM_005981.5).
Identifiers: ClinVar variation 219393 (VCV000219393.42), dbSNP rs377612647, ClinGen allele CA348777.